The following is an entry in ClinVar:

NM_007294.4(BRCA1):c.3456_3467del (p.Leu1153_Asp1156del)

Genes: BRCA1 (BRCA1 DNA repair associated; minus strand), LOC126862571 (BRD4-independent group 4 enhancer GRCh37_chr17:41243136-41244335; plus strand). Cytogenetic location: 17q21.31.
Variant type: Deletion.
Coding change: c.3456_3467del on transcript NM_007294.4 (MANE Select); coding-DNA positions 3456 to 3467, 12 bases deleted (CCTGTTAGATGA).
Protein change: p.Leu1153_Asp1156del.
Molecular consequence: inframe deletion. On other transcripts: intron variant (135).
Genome position (GRCh38, 1-based): chr17:43,092,064-43,092,075, TCATCTAACAGG deleted on the plus strand (CCTGTTAGATGA on the coding strand, the reverse complement: BRCA1 is on the minus strand); deleting any 12 consecutive bases within chr17:43,092,064-43,092,080 gives the same sequence; the c. name uses the placement nearest the transcript's 3' end. VCF-style (leftmost placement, unchanged base first): chr17-43092063-ATCATCTAACAGG-A. GRCh37 (hg19) VCF-style: chr17-41244080-ATCATCTAACAGG-A.
Other names: c.584-1043_584-1032del (NM_001408475.1); c.710-1043_710-1032del (NM_001408412.1, NM_001408409.1, NM_001408414.1 and 2 more transcripts); c.452-1043_452-1032del (NM_001408509.1, NM_001408508.1); c.575-1043_575-1032del (NM_001408491.1, NM_001408493.1, NM_001408490.1); c.461-1043_461-1032del (NM_001408506.1, NM_001408507.1); c.578-1043_578-1032del (NM_001408481.1, NM_001408480.1, NM_001408489.1 and 9 more transcripts); c.779-1043_779-1032del (NM_001408408.1); c.662-1043_662-1032del (NM_001408446.1, NM_001408435.1, NM_001408448.1 and 6 more transcripts); and 41 more.
Identifiers: ClinVar variation 1382706 (VCV001382706.7), dbSNP rs2154312208, ClinGen allele CA2573154071.
Genomic context (GRCh38, chr17:43,092,063, plus strand): 5'-AACAGCAGAACTTTCCTTAATGTCATTTTCAGCAAAACTAGTATCTTCCTTTATTTCACC[ATCATCTAACAGG>A]TCATCAGGTGTCTCAGAACAAACCTGAGATGCATGACTACTTCCCATAGGCTGTTCTAAG-3'

ClinVar aggregate classification (germline): Uncertain significance (1 of 4 stars; one submission).

Conditions:
Hereditary breast ovarian cancer syndrome. Also called: Hereditary breast and ovarian cancer syndrome (HBOC); Breast and ovarian cancer; BRCA1- and BRCA2-Associated Hereditary Breast and Ovarian Cancer; Hereditary breast and ovarian cancer; Hereditary breast and ovarian cancer syndrome; Hereditary breast and/or ovarian cancer syndrome. Identifiers: Orphanet 145, MedGen C0677776, MeSH D061325, MONDO:0003582. Disease mechanism: loss of function.

Submission:

Labcorp Genetics (formerly Invitae), Labcorp
Classification: Uncertain significance for Hereditary breast ovarian cancer syndrome. Last evaluated: 2021-09-23. Review status: criteria provided, single submitter. Criteria: Invitae Variant Classification Sherloc (09022015). Collection method: clinical testing. Allele origin: germline.
Comment: This variant, c.3456_3467del, results in the deletion of 4 amino acid(s) of the BRCA1 protein (p.Leu1153_Asp1156del), but otherwise preserves the integrity of the reading frame. This variant is not present in population databases (ExAC no frequency). This variant has not been reported in the literature in individuals affected with BRCA1-related conditions. Experimental studies and prediction algorithms are not available or were not evaluated, and the functional significance of this variant is currently unknown. In summary, the available evidence is currently insufficient to determine the role of this variant in disease. Therefore, it has been classified as a Variant of Uncertain Significance.